The following is an entry in ClinVar:

NM_001198800.3(ASCC1):c.747-10A>G

Gene: ASCC1 (activating signal cointegrator 1 complex subunit 1; minus strand). Cytogenetic location: 10q22.1.
Variant type: single nucleotide variant.
Coding change: c.747-10A>G on transcript NM_001198800.3 (MANE Select); 10 bases into the intron before coding-DNA position 747, A replaced by G.
Molecular consequence: intron variant.
Genome position (GRCh38, 1-based): chr10:72,133,191, T>C on the plus strand (A>G on the coding strand, the complement: ASCC1 is on the minus strand). VCF-style: chr10-72133191-T-C. GRCh37 (hg19) VCF-style: chr10-73892949-T-C.
Other names: c.693-10A>G (NM_001369099.1); c.813-10A>G (NM_001369086.1, NM_001369085.1); c.627-10A>G (NM_001369112.1, NM_001369108.1, NM_001369103.1 and 3 more transcripts); c.747-10A>G (NM_001369110.1, NM_001369096.1, NM_001369090.1 and 12 more transcripts); c.831-10A>G (NM_001198799.3); c.630-10A>G (NM_001369105.1, NM_001369102.1, NM_001369106.1 and 2 more transcripts).
Identifiers: ClinVar variation 1493896 (VCV001493896.9), dbSNP rs768398422, ClinGen allele CA5548932.

ClinVar aggregate classification (germline): Uncertain significance. Review status: criteria provided, multiple submitters, no conflicts (2 of 4 stars). 2 submissions from 2 submitters: Uncertain significance (2). Last evaluated 2022-02-08.

Conditions:
Spinal muscular atrophy with congenital bone fractures 2 (SMABF2). Identifiers: MedGen C4225176, MONDO:0014807, OMIM 616867.

gnomAD v4.1: 110 of 1,613,872 alleles (0.0068%); highest among the groups gnomAD compares: East Asian, 0.016%; no homozygotes.

Submissions (2):

Labcorp Genetics (formerly Invitae), Labcorp
Classification: Uncertain significance. Last evaluated: 2022-02-08. Review status: criteria provided, single submitter. Criteria: Invitae Variant Classification Sherloc (09022015). Collection method: clinical testing. Allele origin: germline.
Comment: This variant has not been reported in the literature in individuals affected with ASCC1-related conditions. This variant is present in population databases (rs768398422, gnomAD 0.02%). This sequence change falls in intron 7 of the ASCC1 gene. It does not directly change the encoded amino acid sequence of the ASCC1 protein. Algorithms developed to predict the effect of sequence changes on RNA splicing suggest that this variant may disrupt the consensus splice site. In summary, the available evidence is currently insufficient to determine the role of this variant in disease. Therefore, it has been classified as a Variant of Uncertain Significance.

Juno Genomics, Hangzhou Juno Genomics, Inc
Classification: Uncertain significance for Spinal muscular atrophy with congenital bone fractures 2. Review status: criteria provided, single submitter. Criteria: ACMG Guidelines, 2015. Collection method: clinical testing. Allele origin: germline. Affected: yes.
Comment: Absent from controls (or at extremely low frequency if recessive) in Genome Aggregation Database, Exome Sequencing Project, 1000 Genomes Project, or Exome Aggregation Consortium.;Multiple lines of computational evidence support a deleterious effect on the gene or gene product (conservation, evolutionary, splicing impact, etc).;Patient's phenotype or family history is highly specific for a disease with a single genetic etiology.